The following is an entry in ClinVar:

NM_172362.3(KCNH1):c.2309A>G (p.Asn770Ser)

Gene: KCNH1 (potassium voltage-gated channel subfamily H member 1; minus strand). Cytogenetic location: 1q32.2.
Variant type: single nucleotide variant.
Coding change: c.2309A>G on transcript NM_172362.3 (MANE Select); coding-DNA position 2309, A replaced by G.
Protein change: p.Asn770Ser; replaces asparagine 770 with serine.
Molecular consequence: missense variant.
Genome position (GRCh38, 1-based): chr1:210,683,942, T>C on the plus strand (A>G on the coding strand, the complement: KCNH1 is on the minus strand). VCF-style: chr1-210683942-T-C. GRCh37 (hg19) VCF-style: chr1-210857284-T-C.
Other names: c.2228A>G, p.Asn743Ser (NM_002238.4); short protein forms N743S, N770S.
Identifiers: ClinVar variation 2867204 (VCV002867204.3), dbSNP rs1196867783, ClinGen allele CA344871432.

ClinVar aggregate classification (germline): Uncertain significance (1 of 4 stars; one submission).

Allele frequency attached by ClinVar (database versions not stated): gnomAD exomes 0.00001.
gnomAD v4.1: 8 of 1,608,368 alleles (0.0005%); highest among the groups gnomAD compares: East Asian, 0.0045%; no homozygotes.

Submission:

Labcorp Genetics (formerly Invitae), Labcorp
Classification: Uncertain significance. Last evaluated: 2023-05-22. Review status: criteria provided, single submitter. Criteria: Invitae Variant Classification Sherloc (09022015). Collection method: clinical testing. Allele origin: germline.
Comment: In summary, the available evidence is currently insufficient to determine the role of this variant in disease. Therefore, it has been classified as a Variant of Uncertain Significance. Advanced modeling of protein sequence and biophysical properties (such as structural, functional, and spatial information, amino acid conservation, physicochemical variation, residue mobility, and thermodynamic stability) performed at Invitae indicates that this missense variant is not expected to disrupt KCNH1 protein function. This variant has not been reported in the literature in individuals affected with KCNH1-related conditions. This variant is present in population databases (no rsID available, gnomAD 0.01%). This sequence change replaces asparagine, which is neutral and polar, with serine, which is neutral and polar, at codon 770 of the KCNH1 protein (p.Asn770Ser).